The following is an entry in ClinVar:

ClinVar aggregate classification (germline): Uncertain significance (1 of 4 stars; one submission).

Conditions:
Rhabdoid tumor predisposition syndrome 2 (RTPS2). Identifiers: Orphanet 231108, Orphanet 69077, MedGen C2750074, MONDO:0013224, OMIM 613325.

Submission:

Labcorp Genetics (formerly Invitae), Labcorp
Classification: Uncertain significance for Rhabdoid tumor predisposition syndrome 2. Last evaluated: 2022-12-20. Review status: criteria provided, single submitter. Criteria: Invitae Variant Classification Sherloc (09022015). Collection method: clinical testing. Allele origin: germline.
Comment: This sequence change replaces isoleucine, which is neutral and non-polar, with valine, which is neutral and non-polar, at codon 790 of the SMARCA4 protein (p.Ile790Val). In summary, the available evidence is currently insufficient to determine the role of this variant in disease. Therefore, it has been classified as a Variant of Uncertain Significance. Advanced modeling of protein sequence and biophysical properties (such as structural, functional, and spatial information, amino acid conservation, physicochemical variation, residue mobility, and thermodynamic stability) performed at Invitae indicates that this missense variant is expected to disrupt SMARCA4 protein function. This variant has not been reported in the literature in individuals affected with SMARCA4-related conditions. This variant is not present in population databases (gnomAD no frequency).

NM_003072.5(SMARCA4):c.2368A>G (p.Ile790Val)

Gene: SMARCA4 (SWI/SNF related BAF chromatin remodeling complex subunit ATPase 4; plus strand). Cytogenetic location: 19p13.2.
Variant type: single nucleotide variant.
Coding change: c.2368A>G on transcript NM_003072.5 (MANE Select); coding-DNA position 2368, A replaced by G.
Protein change: p.Ile790Val; replaces isoleucine 790 with valine.
Molecular consequence: missense variant. On other transcripts: non-coding transcript variant (1).
Genome position (GRCh38, 1-based): chr19:11,013,042, A>G. VCF-style: chr19-11013042-A-G. GRCh37 (hg19) VCF-style: chr19-11123718-A-G.
Other names: c.2368A>G, p.Ile790Val (NM_001128844.3, NM_001128845.2, NM_001128846.2 and 6 more transcripts); short protein forms I790V.
Identifiers: ClinVar variation 2822711 (VCV002822711.3), dbSNP rs2146279574, ClinGen allele CA404053207.